The following is an entry in ClinVar:

ClinVar aggregate classification (germline): Conflicting classifications of pathogenicity. Review status: criteria provided, conflicting classifications (1 of 4 stars). 3 submissions from 3 submitters: Uncertain significance (2); Likely benign (1). Last evaluated 2026-02-23.

Conditions:
CYP27A1-related disorder. Also called: CYP27A1-related condition.
Cardiovascular phenotype. Identifiers: MedGen CN230736.
Cholestanol storage disease (CTX). Also called: CEREBRAL CHOLESTERINOSIS; Cerebrotendinous Xanthomatosis; CTX: Cerebrotendinous xanthomatosis. Identifiers: Orphanet 909, MedGen C0238052, MONDO:0008948, OMIM 213700.

Allele frequency attached by ClinVar (database versions not stated): TOPMed below 0.00001; gnomAD exomes 0.00002 and 0.00007; gnomAD 0.00004 and 0.00005; ExAC 0.00011; 1000 Genomes Project 0.00040; 1000 Genomes Project 30x 0.00062.
gnomAD v4.1: 35 of 1,614,156 alleles (0.0022%); highest among the groups gnomAD compares: East Asian, 0.04%; no homozygotes.

Submissions (3):

Ambry Genetics
Classification: Uncertain significance for Cardiovascular phenotype. Last evaluated: 2026-02-23. Review status: criteria provided, single submitter. Criteria: Ambry Variant Classification Scheme 2023. Collection method: clinical testing. Allele origin: germline.
Comment: The p.S203L variant (also known as c.608C>T), located in coding exon 3 of the CYP27A1 gene, results from a C to T substitution at nucleotide position 608. The serine at codon 203 is replaced by leucine, an amino acid with dissimilar properties. This amino acid position is poorly conserved in available vertebrate species. In addition, this alteration is predicted to be tolerated by in silico analysis. Based on the available evidence, the clinical significance of this variant remains unclear.

Labcorp Genetics (formerly Invitae), Labcorp
Classification: Likely benign for Cholestanol storage disease. Last evaluated: 2026-01-06. Review status: criteria provided, single submitter. Criteria: Invitae Variant Classification Sherloc (09022015). Collection method: clinical testing. Allele origin: germline.

PreventionGenetics, part of Exact Sciences
Classification: Uncertain significance for CYP27A1-related condition. Last evaluated: 2025-09-05. Review status: criteria provided, single submitter. Criteria: ACMG Guidelines, 2015. Collection method: clinical testing. Allele origin: germline.
Comment: The CYP27A1 c.608C>T variant is predicted to result in the amino acid substitution p.Ser203Leu. To our knowledge, this variant has not been reported in the literature. This variant is reported in 0.090% of alleles in individuals of East Asian descent in gnomAD. Although we suspect that this variant may be benign, at this time, the clinical significance of this variant is uncertain due to the absence of conclusive functional and genetic evidence.

NM_000784.4(CYP27A1):c.608C>T (p.Ser203Leu)

Gene: CYP27A1 (cytochrome P450 family 27 subfamily A member 1; plus strand). Cytogenetic location: 2q35.
Variant type: single nucleotide variant.
Coding change: c.608C>T on transcript NM_000784.4 (MANE Select); coding-DNA position 608, C replaced by T.
Protein change: p.Ser203Leu; replaces serine 203 with leucine.
Molecular consequence: missense variant.
Genome position (GRCh38, 1-based): chr2:218,812,383, C>T. VCF-style: chr2-218812383-C-T. GRCh37 (hg19) VCF-style: chr2-219677106-C-T.
Other names: c.608C>T (NM_000784.3); short protein forms S203L.
Identifiers: ClinVar variation 1099022 (VCV001099022.11), dbSNP rs186812403, ClinGen allele CA2112664.